The following is an entry in ClinVar:

NM_005422.4(TECTA):c.6205G>C (p.Glu2069Gln)

Genes: TBCEL-TECTA (TBCEL-TECTA readthrough; plus strand), TECTA (tectorin alpha; plus strand). Cytogenetic location: 11q23.3.
Variant type: single nucleotide variant.
Coding change: c.6205G>C on transcript NM_005422.4 (MANE Select); coding-DNA position 6205, G replaced by C.
Protein change: p.Glu2069Gln; replaces glutamic acid 2069 with glutamine.
Molecular consequence: missense variant.
Genome position (GRCh38, 1-based): chr11:121,189,122, G>C. VCF-style: chr11-121189122-G-C. GRCh37 (hg19) VCF-style: chr11-121059831-G-C.
Other names: c.7147G>C, p.Glu2383Gln (NM_001378761.1); short protein forms E2069Q, E2383Q.
Identifiers: ClinVar variation 2384049 (VCV002384049.6), dbSNP rs758548198, ClinGen allele CA229829197.

ClinVar aggregate classification (germline): Uncertain significance. Review status: criteria provided, multiple submitters, no conflicts (2 of 4 stars). 3 submissions from 3 submitters: Uncertain significance (3). Last evaluated 2025-03-25.

Conditions:
Inborn genetic diseases. Identifiers: MedGen C0950123, MeSH D030342.
TECTA-related disorder. Also called: TECTA-related condition.

Allele frequency attached by ClinVar (database versions not stated): gnomAD 0.00002; TOPMed 0.00003.

Submissions (3):

PreventionGenetics, part of Exact Sciences
Classification: Uncertain significance for TECTA-related condition. Last evaluated: 2025-03-25. Review status: criteria provided, single submitter. Criteria: ACMG Guidelines, 2015. Collection method: clinical testing. Allele origin: germline.
Comment: The TECTA c.6205G>C variant is predicted to result in the amino acid substitution p.Glu2069Gln. To our knowledge, this variant has not been reported in the literature or in a large population database, indicating this variant is rare. At this time, the clinical significance of this variant is uncertain due to the absence of conclusive functional and genetic evidence.

GeneDx
Classification: Uncertain significance. Last evaluated: 2024-09-26. Review status: criteria provided, single submitter. Criteria: GeneDx Variant Classification Process June 2021. Collection method: clinical testing. Allele origin: germline. Affected: yes.
Comment: Not observed at significant frequency in large population cohorts (gnomAD); In silico analysis indicates that this missense variant does not alter protein structure/function; Has not been previously published as pathogenic or benign to our knowledge

Ambry Genetics
Classification: Uncertain significance for Inborn genetic diseases. Last evaluated: 2022-04-07. Review status: criteria provided, single submitter. Criteria: Ambry Variant Classification Scheme 2023. Collection method: clinical testing. Allele origin: germline.